The following is an entry in ClinVar:

NM_004260.4(RECQL4):c.2855G>A (p.Gly952Asp)

Gene: RECQL4 (RecQ like helicase 4; minus strand). Cytogenetic location: 8q24.3.
Variant type: single nucleotide variant.
Coding change: c.2855G>A on transcript NM_004260.4 (MANE Select); coding-DNA position 2855, G replaced by A.
Protein change: p.Gly952Asp; replaces glycine 952 with aspartic acid.
Molecular consequence: missense variant.
Genome position (GRCh38, 1-based): chr8:144,512,672, C>T on the plus strand (G>A on the coding strand, the complement: RECQL4 is on the minus strand). VCF-style: chr8-144512672-C-T. GRCh37 (hg19) VCF-style: chr8-145738055-C-T.
Other names: short protein forms G952D.
Identifiers: ClinVar variation 1394847 (VCV001394847.5), dbSNP rs776281689, ClinGen allele CA4948051.
Genomic context (GRCh38, chr8:144,512,672, plus strand): 5'-CTCGTCTCCAACTGGGCAGGGCGTGCTTACCTGTGGGCCAGGGCCTGGAGCTGGGCAGGG[C>T]CCCCAGGGCAGTTCAGACGGCAATGGGTATAGGTGGTCGCCAGCAGCTCCAGCCAGTGGT-3'
Protein context (NP_004251.4, residues 942-962): YTHCRLNCPG[Gly952Asp]PAQLQALAHR

ClinVar aggregate classification (germline): Uncertain significance (1 of 4 stars; one submission).

Conditions:
Baller-Gerold syndrome (BGS). Also called: CRANIOSYNOSTOSIS WITH RADIAL DEFECTS. Identifiers: Orphanet 1225, MedGen C0265308, MONDO:0009039, OMIM 218600.

Allele frequency attached by ClinVar (database versions not stated): ExAC 0.00003; gnomAD exomes 0.00003.
gnomAD v4.1: 20 of 1,612,518 alleles (0.0012%); highest among the groups gnomAD compares: South Asian, 0.021%; no homozygotes.

Submission:

Labcorp Genetics (formerly Invitae), Labcorp
Classification: Uncertain significance for Baller-Gerold syndrome. Last evaluated: 2023-12-12. Review status: criteria provided, single submitter. Criteria: Invitae Variant Classification Sherloc (09022015). Collection method: clinical testing. Allele origin: germline.
Comment: This sequence change replaces glycine, which is neutral and non-polar, with aspartic acid, which is acidic and polar, at codon 952 of the RECQL4 protein (p.Gly952Asp). This variant is present in population databases (rs776281689, gnomAD 0.02%). This variant has not been reported in the literature in individuals affected with RECQL4-related conditions. ClinVar contains an entry for this variant (Variation ID: 1394847). Advanced modeling of protein sequence and biophysical properties (such as structural, functional, and spatial information, amino acid conservation, physicochemical variation, residue mobility, and thermodynamic stability) performed at Invitae indicates that this missense variant is not expected to disrupt RECQL4 protein function with a negative predictive value of 80%. In summary, the available evidence is currently insufficient to determine the role of this variant in disease. Therefore, it has been classified as a Variant of Uncertain Significance.